The following is an entry in ClinVar:

NM_002755.4(MAP2K1):c.628G>C (p.Gly210Arg)

Gene: MAP2K1 (mitogen-activated protein kinase kinase 1; plus strand). Cytogenetic location: 15q22.31.
Variant type: single nucleotide variant.
Coding change: c.628G>C on transcript NM_002755.4 (MANE Select); coding-DNA position 628, G replaced by C.
Protein change: p.Gly210Arg; replaces glycine 210 with arginine.
Molecular consequence: missense variant.
Genome position (GRCh38, 1-based): chr15:66,481,814, G>C. VCF-style: chr15-66481814-G-C. GRCh37 (hg19) VCF-style: chr15-66774152-G-C.
Other names: short protein forms G210R.
Identifiers: ClinVar variation 1316067 (VCV001316067.2), dbSNP rs2140667730, ClinGen allele CA392936302.

ClinVar aggregate classification (germline): Uncertain significance (1 of 4 stars; one submission).

Submission:

GeneDx
Classification: Uncertain significance. Last evaluated: 2020-02-07. Review status: criteria provided, single submitter. Criteria: GeneDx Variant Classification Process June 2021. Collection method: clinical testing. Allele origin: germline. Affected: yes.
Comment: Not observed in large population cohorts (Lek et al., 2016); Missense variants in this gene are often considered pathogenic (Stenson et al., 2014); In silico analysis supports that this missense variant has a deleterious effect on protein structure/function; Has not been previously published as pathogenic or benign to our knowledge